The following is an entry in ClinVar:

ClinVar aggregate classification (germline): Uncertain significance (1 of 4 stars; one submission).

Submission:

GeneDx
Classification: Uncertain significance. Last evaluated: 2023-12-08. Review status: criteria provided, single submitter. Criteria: GeneDx Variant Classification Process June 2021. Collection method: clinical testing. Allele origin: germline. Affected: yes.
Comment: Canonical splice site variant in a gene for which loss of function is not a well-established mechanism of disease; Not observed at significant frequency in large population cohorts (gnomAD); Has not been previously published as pathogenic or benign to our knowledge; Variants in candidate genes are classified as variants of uncertain significance in accordance with ACMG guidelines (PMID: 25741868)

NM_144973.4(DENND5B):c.2803+1G>A

Gene: DENND5B (DENN domain containing 5B; minus strand). Cytogenetic location: 12p11.21.
Variant type: single nucleotide variant.
Coding change: c.2803+1G>A on transcript NM_144973.4 (MANE Select); the canonical splice donor site of the intron after coding-DNA position 2803, G replaced by A.
Molecular consequence: splice donor variant.
Genome position (GRCh38, 1-based): chr12:31,409,262, C>T on the plus strand (G>A on the coding strand, the complement: DENND5B is on the minus strand). VCF-style: chr12-31409262-C-T. GRCh37 (hg19) VCF-style: chr12-31562196-C-T.
Other names: c.2908+1G>A (NM_001308339.2).
Identifiers: ClinVar variation 3365316 (VCV003365316.1).